The following is an entry in ClinVar:

ClinVar aggregate classification (germline): Pathogenic (1 of 4 stars; one submission).

Conditions:
Glycogen storage disease, type II (IOPD). Also called: Glucosidase acid-1,4-alpha deficiency; Pompe Disease; CARDIOMEGALIA GLYCOGENICA DIFFUSA; Glycogen storage disease type 2; Acid maltase deficiency disease; Aglucosidase alfa. Identifiers: Orphanet 365, MedGen C0017921, MONDO:0009290, OMIM 232300.

Submission:

Natera, Inc.
Classification: Pathogenic for Glycogen storage disease type II. Last evaluated: 2024-05-01. Review status: criteria provided, single submitter. Criteria: Natera Variant Classification Schema (03/2026). Collection method: clinical testing. Allele origin: germline.
Comment: The c.1754+1G>T variant in GAA is a canonical splice donor site variant predicted to affect pre-mRNA splicing, which may result in an abnormal transcript and altered protein product. This variant is expected to result in nonsense mediated decay, truncation, or a dysfunctional protein product. This variant is rare in the general population with a frequency below the threshold expected for the associated phenotype(s). Another variant at this same site results in an alteration predicted to cause a similar molecular effect has been observed in individual(s) with the associated phenotype. Given the available evidence, this variant is classified as Pathogenic.

NM_000152.5(GAA):c.1754+1G>T

Gene: GAA (alpha glucosidase; plus strand). Cytogenetic location: 17q25.3.
Variant type: single nucleotide variant.
Coding change: c.1754+1G>T on transcript NM_000152.5 (MANE Select); the canonical splice donor site of the intron after coding-DNA position 1754, G replaced by T.
Molecular consequence: splice donor variant.
Genome position (GRCh38, 1-based): chr17:80,112,101, G>T. VCF-style: chr17-80112101-G-T. GRCh37 (hg19) VCF-style: chr17-78085900-G-T.
Other names: c.1754+1G>T (NM_001406741.1, NM_001406742.1, NM_001079803.3 and 1 more transcripts).
Identifiers: ClinVar variation 4817583 (VCV004817583.1).